The following continues an entry in ClinVar:

NM_000051.4(ATM):c.7618G>A (p.Val2540Ile)

ClinVar aggregate classification (germline): Conflicting classifications of pathogenicity. Uncertain significance (20); Likely benign (3).

Submissions 6 to 25 of 25:

ARUP Laboratories, Molecular Genetics and Genomics, ARUP Laboratories
Classification: Uncertain significance. Last evaluated: 2025-03-21. Review status: criteria provided, single submitter. Criteria: ARUP Molecular Germline Variant Investigation Process 2024. Collection method: clinical testing. Allele origin: germline.
Comment: The ATM c.7618G>A; p.Val2540Ile variant (rs35203200, ClinVar ID: 141579) is reported in the literature in individuals with breast, ovarian, stomach, or colorectal cancer (Girard 2019, Lu 2015, Pearlman 2017, Stafford, Tung 2016) but has also been reported in an unaffected control (Tavtigian 2009). This variant is found primarily in the non-Finnish European population with an allele frequency of 0.01% (13/128,932 alleles) in the Genome Aggregation Database (v2.1.1). In vitro functional analyses demonstrate reduced kinase activity, HDR activity and cell viability (Baughan 2022). Computational analyses are uncertain whether this variant is neutral or deleterious (REVEL: 0.315). Due to limited information, the clinical significance of this variant is uncertain at this time. References: Baughan SL et al. Functional analysis of ATM variants in a high risk cohort provides insight into missing heritability. Cancer Genet. 2022 Jun;264-265:40-49. PMID: 35354106. Girard E et al. Familial breast cancer and DNA repair genes: Insights into known and novel susceptibility genes from the GENESIS study, and implications for multigene panel testing. Int J Cancer. 2019 Apr 15;144(8):1962-1974. PMID: 30303537. Lu C et al. Patterns and functional implications of rare germline variants across 12 cancer types. Nat Commun. 2015 Dec 22;6:10086. PMID: 26689913. Pearlman R et al. Prevalence and Spectrum of Germline Cancer Susceptibility Gene Mutations Among Patients With Early-Onset Colorectal Cancer. JAMA Oncol. 2017 Apr 1;3(4):464-471. PMID: 27978560. Stafford JL et al. Reanalysis of BRCA1/2 negative high risk ovarian cancer patients reveals novel germline risk loci and insights into missing heritability. PLoS One. 2017 Jun 7;12(6):e0178450. PMID: 28591191. Tavtigian SV et al. Rare, evolutionarily unlikely missense substitutions in ATM confer increased risk of breast cancer. Am J Hum Genet. 2009 Oct;85(4):427-46. PMID: 19781682. Tung N et al. Frequency of Germline Mutations in 25 Cancer Susceptibility Genes in a Sequential Series of Patients With Breast Cancer. J Clin Oncol. 2016 May 1;34(13):1460-8. PMID: 26976419.

GeneDx
Classification: Uncertain significance. Last evaluated: 2025-01-27. Review status: criteria provided, single submitter. Criteria: GeneDx Variant Classification Process June 2021. Collection method: clinical testing. Allele origin: germline. Affected: yes.
Comment: Not observed at significant frequency in large population cohorts (gnomAD); Published functional studies demonstrate reduced HDR activity, reduced cell viability, and defects in kinase activity (PMID: 35354106); In silico analysis indicates that this missense variant does not alter protein structure/function; Observed in individuals with breast, ovarian, rectal, and other cancers, but also in unaffected controls (PMID: 19781682, 26689913, 26976419, 28779002, 27978560, 28591191, 28652578, 29522266, 29641532, 30303537, 30374176, 34326862, 34262154, 33471991); This variant is associated with the following publications: (PMID: 26976419, 30374176, 31920950, 30303537, 19781682, 26689913, 22529920, 27978560, 28591191, 27720647, 28779002, 29522266, 28652578, 29596542, 29641532, 23532176, 33471991, 34326862, 34262154, 33850299, 35354106)

Blueprint Genetics
Classification: Uncertain significance. Last evaluated: 2024-10-23. Review status: criteria provided, single submitter. Criteria: ACMG Guidelines, 2015. Collection method: clinical testing. Allele origin: germline.

Color Diagnostics, LLC DBA Color Health
Classification: Uncertain significance for Hereditary cancer-predisposing syndrome. Last evaluated: 2024-09-17. Review status: criteria provided, single submitter. Criteria: ACMG Guidelines, 2015. Collection method: clinical testing. Allele origin: germline.
Comment: This missense variant replaces valine with isoleucine at codon 2540 of the ATM protein. Computational prediction suggests that this variant may not impact protein structure and function. An in vitro functional study suggests that this variant may reduce kinase activity, homology directed repair, and colony formation (PMID: 35354106). This variant has been reported in individuals affected with breast cancer, ovarian cancer, rectal cancer, stomach adenocarcinoma, and dystonia, as well as in unaffected controls (PMID: 19781682, 25186627, 26689913, 26976419, 27978560, 28591191, 28779002, 29522266, 30303537, 31920950, 33471991). This variant has been identified in 14/282022 chromosomes in the general population by the Genome Aggregation Database (gnomAD). The available evidence is insufficient to determine the role of this variant in disease conclusively. Therefore, this variant is classified as a Variant of Uncertain Significance.

Myriad Genetics, Inc.
Classification: Likely benign for Familial cancer of breast. Last evaluated: 2024-06-14. Review status: criteria provided, single submitter. Criteria: Myriad Autosomal Dominant, Autosomal Recessive and X-Linked Classification Criteria (2023). Collection method: clinical testing. Allele origin: unknown.
Comment: This variant is considered likely benign. This variant is strongly associated with less severe personal and family histories of cancer, typical for individuals without pathogenic variants in this gene [PMID: 25085752].

Mayo Clinic Laboratories, Mayo Clinic
Classification: Uncertain significance. Last evaluated: 2024-02-23. Review status: criteria provided, single submitter. Criteria: ACMG Guidelines, 2015. Collection method: clinical testing. Allele origin: germline. Observed: 7 variant alleles.
Comment: PM2_moderate, PS3_moderate

Fulgent Genetics
Classification: Uncertain significance for Familial cancer of breast; Ataxia-telangiectasia syndrome. Last evaluated: 2024-01-02. Review status: criteria provided, single submitter. Criteria: ACMG Guidelines, 2015. Collection method: clinical testing. Allele origin: germline.

Baylor Genetics
Classification: Uncertain significance for Familial cancer of breast. Last evaluated: 2023-10-24. Review status: criteria provided, single submitter. Criteria: ACMG Guidelines, 2015. Collection method: clinical testing. Allele origin: unknown.

CeGaT Center for Human Genetics Tuebingen
Classification: Likely benign. Last evaluated: 2023-10-01. Review status: criteria provided, single submitter. Criteria: CeGaT Center For Human Genetics Tuebingen Variant Classification Criteria Version 2. Collection method: clinical testing. Allele origin: germline. Affected: yes. Observed: 1 variant allele.
Comment: ATM: BP4

Department of Pathology and Laboratory Medicine, Sinai Health System
Classification: Uncertain significance for ATM-related cancer predisposition. Last evaluated: 2023-05-17. Review status: criteria provided, single submitter. Criteria: ACMG Guidelines, 2015. Collection method: clinical testing. Allele origin: germline. Affected: no.

CHEO Genetics Diagnostic Laboratory, Children's Hospital of Eastern Ontario
Classification: Uncertain significance for Breast and/or ovarian cancer. Last evaluated: 2022-12-21. Review status: criteria provided, single submitter. Criteria: ACMG Guidelines, 2015. Collection method: clinical testing. Allele origin: germline.

Institute for Biomarker Research, Medical Diagnostic Laboratories, L.L.C.
Classification: Uncertain significance for Hereditary cancer-predisposing syndrome. Last evaluated: 2022-11-22. Review status: criteria provided, single submitter. Criteria: ACMG Guidelines, 2015. Collection method: clinical testing. Allele origin: germline.

Ambry Genetics
Classification: Likely benign for Hereditary cancer-predisposing syndrome. Last evaluated: 2022-04-20. Review status: criteria provided, single submitter. Criteria: Ambry Variant Classification Scheme 2023. Collection method: clinical testing. Allele origin: germline.

Athena Diagnostics
Classification: Uncertain significance. Last evaluated: 2021-01-22. Review status: criteria provided, single submitter. Criteria: Athena Diagnostics criteria. Collection method: clinical testing. Allele origin: unknown.

Quest Diagnostics Nichols Institute San Juan Capistrano
Classification: Uncertain significance. Last evaluated: 2021-01-22. Review status: criteria provided, single submitter. Criteria: Quest Diagnostics criteria. Collection method: clinical testing. Allele origin: unknown.
Comment: The frequency of this variant in the general population, 0.0001 (13/128932 chromosomes), is uninformative in assessment of its pathogenicity. In the published literature, the variant has been reported in individuals with breast/ovarian cancer (PMIDs: 29522266 (2018), 29360161 (2018), 28779002 (2017), 26976419 (2016), 25186627 (2015)), colorectal cancer (PMID: 27978560 (2016)), stomach cancer (PMID: 26689913 (2015)), lymphocytic leukemia (PMID: 28652578 (2017)), as well as in control individuals (PMIDs: 28779002 (2017), 19781682 (2009), 16832357 (2006)). Analysis of this variant using bioinformatics tools for the prediction of the effect of amino acid changes on protein structure and function yielded predictions that this variant is benign. Based on the available information, we are unable to determine the clinical significance of this variant.

Cambridge Genomics Laboratory, East Genomic Laboratory Hub, NHS Genomic Medicine Service
Classification: Uncertain significance for Intellectual disability. Last evaluated: 2019-12-30. Review status: criteria provided, single submitter. Criteria: ACGS Best Practice Guidelines for Variant Classification in Rare Disease 2020. Collection method: clinical testing. Allele origin: germline. Affected: yes. Observed: 1 variant allele.

Illumina Laboratory Services, Illumina
Classification: Uncertain significance for Ataxia-telangiectasia syndrome. Last evaluated: 2018-01-13. Review status: criteria provided, single submitter. Criteria: ICSL Variant Classification Criteria 13 December 2019. Collection method: clinical testing. Allele origin: germline.

Genetic Services Laboratory, University of Chicago
Classification: Uncertain significance. Last evaluated: 2017-09-20. Review status: criteria provided, single submitter. Criteria: ACMG Guidelines, 2015. Collection method: clinical testing. Allele origin: germline. Affected: no.

Natera, Inc.
Classification: Uncertain significance for Ataxia-telangiectasia. Last evaluated: 2020-09-16. Review status: no assertion criteria provided. Collection method: clinical testing. Allele origin: germline. Not counted in ClinVar's aggregate classification.

Counsyl
Classification: Uncertain significance for Ataxia-telangiectasia syndrome. Last evaluated: 2018-04-17. Review status: no assertion criteria provided. Collection method: clinical testing. Allele origin: unknown. Not counted in ClinVar's aggregate classification.

Literature cited by the submitters: PubMed 25186627 (cited by 6 submitters); PubMed 26689913 (cited by 5 submitters); PubMed 26976419 (cited by 6 submitters); PubMed 27978560 (cited by 7 submitters); PubMed 28591191 (cited by 6 submitters); PubMed 28652578 (cited by 4 submitters); PubMed 29360161 (cited by 5 submitters); PubMed 33850299 (cited by Labcorp Genetics (formerly Invitae), Labcorp); PubMed 19781682 (cited by 4 submitters); PubMed 16832357 (cited by 3 submitters); PubMed 27720647 (cited by 3 submitters); PubMed 29522266 (cited by 4 submitters); PubMed 30303537 (cited by 4 submitters); PubMed 31920950 (cited by 5 submitters); PubMed 35354106 (cited by 3 submitters); PubMed 28779002 (cited by 3 submitters); PubMed 33471991 (cited by 3 submitters); PubMed 25085752 (cited by Myriad Genetics, Inc.); PubMed 30374176 (cited by 3 submitters).